The following is an entry in ClinVar:

NM_024675.4(PALB2):c.187C>T (p.Leu63Phe)

Gene: PALB2 (partner and localizer of BRCA2; minus strand). Cytogenetic location: 16p12.2.
Variant type: single nucleotide variant.
Coding change: c.187C>T on transcript NM_024675.4 (MANE Select); coding-DNA position 187, C replaced by T.
Protein change: p.Leu63Phe; replaces leucine 63 with phenylalanine.
Molecular consequence: missense variant.
Genome position (GRCh38, 1-based): chr16:23,637,874, G>A on the plus strand (C>T on the coding strand, the complement: PALB2 is on the minus strand). VCF-style: chr16-23637874-G-A. GRCh37 (hg19) VCF-style: chr16-23649195-G-A.
Other names: p.L63F:CTC>TTC; short protein forms L63F.
Identifiers: ClinVar variation 182780 (VCV000182780.22), dbSNP rs730881899, ClinGen allele CA299766.

ClinVar aggregate classification (germline): Uncertain significance. Review status: criteria provided, multiple submitters, no conflicts (2 of 4 stars). 5 submissions from 5 submitters: Uncertain significance (5). Last evaluated 2025-09-17.

Conditions:
Familial cancer of breast. Also called: BREAST CANCER, FAMILIAL; hereditary breast carcinoma; Hereditary breast cancer. Identifiers: Orphanet 227535, MedGen C0346153, MONDO:0016419, OMIM 114480. Disease mechanism: loss of function.
Pancreatic cancer, susceptibility to, 3. Identifiers: Orphanet 1333, MedGen C3150547, MONDO:0013236, OMIM 613348.
Fanconi anemia complementation group N. Also called: PALB2-Related Fanconi Anemia. Identifiers: Orphanet 84, MedGen C1835817, MONDO:0012565, OMIM 610832. Disease mechanism: loss of function.
Hereditary cancer-predisposing syndrome. Also called: Tumor predisposition; Hereditary Cancer Syndrome; Hereditary neoplastic syndrome; Neoplastic Syndromes, Hereditary. Identifiers: Orphanet 140162, MedGen C0027672, MeSH D009386, MONDO:0015356.

Allele frequency attached by ClinVar (database versions not stated): gnomAD exomes below 0.00001; TOPMed below 0.00001; gnomAD 0.00001 and 0.00002.
gnomAD v4.1: 5 of 1,613,502 alleles (0.00031%); highest among the groups gnomAD compares: African/African-American, 0.0053%; no homozygotes.

Submissions (5):

Ambry Genetics
Classification: Uncertain significance for Hereditary cancer-predisposing syndrome. Last evaluated: 2025-09-17. Review status: criteria provided, single submitter. Criteria: Ambry Variant Classification Scheme 2023. Collection method: clinical testing. Allele origin: germline.
Comment: The p.L63F variant (also known as c.187C>T), located in coding exon 3 of the PALB2 gene, results from a C to T substitution at nucleotide position 187. The leucine at codon 63 is replaced by phenylalanine, an amino acid with highly similar properties. This amino acid position is poorly conserved in available vertebrate species. In addition, this alteration is predicted to be tolerated by in silico analysis. Since supporting evidence is limited at this time, the clinical significance of this alteration remains unclear.

Labcorp Genetics (formerly Invitae), Labcorp
Classification: Uncertain significance for Familial cancer of breast. Last evaluated: 2025-01-22. Review status: criteria provided, single submitter. Criteria: Invitae Variant Classification Sherloc (09022015). Collection method: clinical testing. Allele origin: germline.
Comment: This sequence change replaces leucine, which is neutral and non-polar, with phenylalanine, which is neutral and non-polar, at codon 63 of the PALB2 protein (p.Leu63Phe). This variant is not present in population databases (gnomAD no frequency). This variant has not been reported in the literature in individuals affected with PALB2-related conditions. ClinVar contains an entry for this variant (Variation ID: 182780). An algorithm developed to predict the effect of missense changes on protein structure and function (PolyPhen-2) suggests that this variant is likely to be tolerated. In summary, the available evidence is currently insufficient to determine the role of this variant in disease. Therefore, it has been classified as a Variant of Uncertain Significance.

GeneDx
Classification: Uncertain significance. Last evaluated: 2023-12-17. Review status: criteria provided, single submitter. Criteria: GeneDx Variant Classification Process June 2021. Collection method: clinical testing. Allele origin: germline. Affected: yes.
Comment: Not observed at significant frequency in large population cohorts (gnomAD); In silico analysis supports that this missense variant does not alter protein structure/function; Has not been previously published as pathogenic or benign to our knowledge; This variant is associated with the following publications: (PMID: 20871615, 19369211)

Color Diagnostics, LLC DBA Color Health
Classification: Uncertain significance for Hereditary cancer-predisposing syndrome. Last evaluated: 2023-12-05. Review status: criteria provided, single submitter. Criteria: ACMG Guidelines, 2015. Collection method: clinical testing. Allele origin: germline.
Comment: This missense variant replaces leucine with phenylalanine at codon 63 of the PALB2 protein. Computational prediction suggests that this variant may not impact protein structure and function (internally defined REVEL score threshold <= 0.5, PMID: 27666373). To our knowledge, functional studies have not been reported for this variant. This variant has not been reported in individuals affected with PALB2-related disorders in the literature. This variant has not been identified in the general population by the Genome Aggregation Database (gnomAD). The available evidence is insufficient to determine the role of this variant in disease conclusively. Therefore, this variant is classified as a Variant of Uncertain Significance.

Fulgent Genetics
Classification: Uncertain significance for Familial cancer of breast; Fanconi anemia complementation group N; Pancreatic cancer, susceptibility to, 3. Last evaluated: 2018-10-31. Review status: criteria provided, single submitter. Criteria: ACMG Guidelines, 2015. Collection method: clinical testing. Allele origin: unknown.